The following is an entry in ClinVar:

ClinVar aggregate classification (germline): Benign. Review status: criteria provided, multiple submitters, no conflicts (2 of 4 stars). 4 submissions from 4 submitters: Benign (3). 1 of the submissions does not count toward it. Last evaluated 2026-02-03.

Conditions:
Spinocerebellar ataxia 45. Identifiers: Orphanet 589527, MedGen C4540400, MONDO:0033480, OMIM 617769.
FAT2-related disorder. Also called: FAT2-related condition.

Allele frequency attached by ClinVar (database versions not stated): gnomAD 0.99601 and 0.99606; ExAC 0.99673; 1000 Genomes Project 0.99760; TOPMed 0.99689; gnomAD exomes 0.99477 and 0.99680; ESP Exome Variant Server 0.99669; 1000 Genomes Project 30x 0.99735.
gnomAD v4.1: 1,606,002 of 1,614,192 alleles (99%); highest among the groups gnomAD compares: East Asian, 100%; 798,927 homozygotes.

Submissions (4):

Labcorp Genetics (formerly Invitae), Labcorp
Classification: Benign. Last evaluated: 2026-02-03. Review status: criteria provided, single submitter. Criteria: Invitae Variant Classification Sherloc (09022015). Collection method: clinical testing. Allele origin: germline.

Genome-Nilou Lab
Classification: Benign for Spinocerebellar ataxia 45. Last evaluated: 2021-08-10. Review status: criteria provided, single submitter. Criteria: ACMG Guidelines, 2015. Collection method: clinical testing. Allele origin: germline. Affected: no.

GeneDx
Classification: Benign. Last evaluated: 2021-05-04. Review status: criteria provided, single submitter. Criteria: GeneDx Variant Classification Process June 2021. Collection method: clinical testing. Allele origin: germline. Affected: yes.

PreventionGenetics, part of Exact Sciences
Classification: Benign for FAT2-related condition. Last evaluated: 2019-07-08. Review status: no assertion criteria provided. Collection method: clinical testing. Allele origin: germline. Not counted in ClinVar's aggregate classification.
Comment: This variant is classified as benign based on ACMG/AMP sequence variant interpretation guidelines (Richards et al. 2015 PMID: 25741868, with internal and published modifications).

NM_001447.3(FAT2):c.7283T>C (p.Phe2428Ser)

Genes: FAT2 (FAT atypical cadherin 2; minus strand), SLC36A1 (solute carrier family 36 member 1; plus strand). Cytogenetic location: 5q33.1.
Variant type: single nucleotide variant.
Coding change: c.7283T>C on transcript NM_001447.3 (MANE Select); coding-DNA position 7283, T replaced by C.
Protein change: p.Phe2428Ser; replaces phenylalanine 2428 with serine.
Molecular consequence: missense variant.
Genome position (GRCh38, 1-based): chr5:151,543,844, A>G on the plus strand (T>C on the coding strand, the complement: FAT2 is on the minus strand). VCF-style: chr5-151543844-A-G. GRCh37 (hg19) VCF-style: chr5-150923405-A-G.
Other names: short protein forms F2428S.
Identifiers: ClinVar variation 1269573 (VCV001269573.9), dbSNP rs6892335, ClinGen allele CA3520988.